The following is an entry in ClinVar:

ClinVar aggregate classification (germline): Likely benign. Review status: criteria provided, multiple submitters, no conflicts (2 of 4 stars). 3 submissions from 3 submitters: Likely benign (3). Last evaluated 2026-01-15.

Conditions:
Deficiency of malonyl-CoA decarboxylase. Also called: Malonic aciduria; MCD deficiency. Identifiers: Orphanet 943, MedGen C0342793, MONDO:0009556, OMIM 248360.

Allele frequency attached by ClinVar (database versions not stated): ExAC below 0.00001; gnomAD exomes 0.00009; TOPMed 0.00015; gnomAD 0.00017.
gnomAD v4.1: 207 of 1,464,114 alleles (0.014%); highest among the groups gnomAD compares: Non-Finnish European, 0.017%; no homozygotes.

Submissions (3):

Labcorp Genetics (formerly Invitae), Labcorp
Classification: Likely benign for Deficiency of malonyl-CoA decarboxylase. Last evaluated: 2026-01-15. Review status: criteria provided, single submitter. Criteria: Invitae Variant Classification Sherloc (09022015). Collection method: clinical testing. Allele origin: germline.

Blueprint Genetics
Classification: Likely benign. Last evaluated: 2024-11-08. Review status: criteria provided, single submitter. Criteria: ACMG Guidelines, 2015. Collection method: clinical testing. Allele origin: germline.

GeneDx
Classification: Likely benign. Last evaluated: 2017-10-03. Review status: criteria provided, single submitter. Criteria: GeneDx Variant Classification (06012015). Collection method: clinical testing. Allele origin: germline. Affected: yes.
Comment: This variant is considered likely benign or benign based on one or more of the following criteria: it is a conservative change, it occurs at a poorly conserved position in the protein, it is predicted to be benign by multiple in silico algorithms, and/or has population frequency not consistent with disease.

NM_012213.3(MLYCD):c.129G>A (p.Leu43=)

Genes: MLYCD (malonyl-CoA decarboxylase; plus strand), LOC130059554 (ATAC-STARR-seq lymphoblastoid silent region 7769; plus strand). Cytogenetic location: 16q23.3.
Variant type: single nucleotide variant.
Coding change: c.129G>A on transcript NM_012213.3 (MANE Select); coding-DNA position 129, G replaced by A.
Protein change: p.Leu43=; no amino-acid change (leucine 43 retained).
Molecular consequence: synonymous variant.
Genome position (GRCh38, 1-based): chr16:83,899,273, G>A. VCF-style: chr16-83899273-G-A. GRCh37 (hg19) VCF-style: chr16-83932878-G-A.
Identifiers: ClinVar variation 512092 (VCV000512092.10), dbSNP rs762166598, ClinGen allele CA8197169.